The following is an entry in ClinVar:

ClinVar aggregate classification (germline): Benign (1 of 4 stars; one submission).

Allele frequency attached by ClinVar (database versions not stated): ExAC 0.38869; ESP Exome Variant Server 0.40566; gnomAD 0.40699; TOPMed 0.41699; 1000 Genomes Project 30x 0.48189; 1000 Genomes Project 0.48642.
gnomAD v4.1: 570,431 of 1,585,434 alleles (36%); highest among the groups gnomAD compares: East Asian, 56%; 106,655 homozygotes.

Submission:

Unidad de Genómica Garrahan, Hospital de Pediatría Garrahan
Classification: Benign. Last evaluated: 2024-01-24. Review status: criteria provided, single submitter. Criteria: ACMG Guidelines, 2015. Collection method: clinical testing. Allele origin: germline. Affected: no. Observed: 61 variant alleles.
Comment: This variant is classified as Benign based on local population frequency. This variant was detected in 64% of patients studied by a panel of primary immunodeficiencies. Number of patients: 61. Only high quality variants are reported.

NM_004946.3(DOCK2):c.3382-34T>C

Gene: DOCK2 (dedicator of cytokinesis 2; plus strand). Cytogenetic location: 5q35.1.
Variant type: single nucleotide variant.
Coding change: c.3382-34T>C on transcript NM_004946.3 (MANE Select); 34 bases into the intron before coding-DNA position 3382, T replaced by C.
Molecular consequence: intron variant.
Genome position (GRCh38, 1-based): chr5:170,027,829, T>C. VCF-style: chr5-170027829-T-C. GRCh37 (hg19) VCF-style: chr5-169454833-T-C.
Identifiers: ClinVar variation 2688044 (VCV002688044.2), dbSNP rs13157227, ClinGen allele CA3554196.